The following is an entry in ClinVar:

NM_206933.4(USH2A):c.10465G>A (p.Ala3489Thr)

Gene: USH2A (usherin; minus strand). Cytogenetic location: 1q41.
Variant type: single nucleotide variant.
Coding change: c.10465G>A on transcript NM_206933.4 (MANE Select); coding-DNA position 10465, G replaced by A.
Protein change: p.Ala3489Thr; replaces alanine 3489 with threonine.
Molecular consequence: missense variant.
Genome position (GRCh38, 1-based): chr1:215,782,858, C>T on the plus strand (G>A on the coding strand, the complement: USH2A is on the minus strand). VCF-style: chr1-215782858-C-T. GRCh37 (hg19) VCF-style: chr1-215956200-C-T.
Other names: short protein forms A3489T.
Identifiers: ClinVar variation 553768 (VCV000553768.27), dbSNP rs1553261464, ClinGen allele CA344837845.

ClinVar aggregate classification (germline): Conflicting classifications of pathogenicity. Review status: criteria provided, conflicting classifications (1 of 4 stars). 7 submissions from 7 submitters: Uncertain significance (4); Likely benign (2). 1 of the submissions does not count toward it. Last evaluated 2026-04-10.

Conditions:
USH2A-related disorder. Also called: USH2A-related disorders; USH2A-related condition. Identifiers: MedGen CN239332.
Retinal dystrophy. Also called: Inherited retinal dystrophy. Identifiers: Orphanet 71862, MedGen C0854723, MeSH D058499, MONDO:0019118, HP:0000556.
Retinitis pigmentosa 39 (RP39). Identifiers: Orphanet 791, MedGen C3151138, MONDO:0013436, OMIM 613809.
Usher syndrome type 2A. Also called: USHER SYNDROME, TYPE IIA; RETINAL DISEASE IN USHER SYNDROME TYPE IIA, MODIFIER OF. Identifiers: Orphanet 231178, Orphanet 886, MedGen C1848634, MONDO:0010169, OMIM 276901.

Allele frequency attached by ClinVar (database versions not stated): gnomAD exomes below 0.00001.
gnomAD v4.1: 3 of 1,613,934 alleles (0.00019%); highest among the groups gnomAD compares: Non-Finnish European, 0.00025%; no homozygotes.

Submissions (7):

PreventionGenetics, part of Exact Sciences
Classification: Uncertain significance for USH2A-related condition. Last evaluated: 2026-04-10. Review status: criteria provided, single submitter. Criteria: ACMG Guidelines, 2015. Collection method: clinical testing. Allele origin: germline.
Comment: The USH2A c.10465G>A variant is predicted to result in the amino acid substitution p.Ala3489Thr. This variant has been reported with an USH2A loss-of-function variant (p.Gly3142*) in an individual with retinitis pigmentosa (Table S6, Glöckle et al. 2014. PubMed ID: 23591405; Table S2, Weisschuh et al. 2020. PubMed ID: 32531858). This variant has also been reported in an individual with panuveitis (Table S2, Li et al. 2020. PubMed ID: 32707200). Internal data indicate that this variant is possibly located in cis to p.Gly3142* variant (Internal data, PreventionGenetics). This variant has not been reported in a large population database, indicating it is rare. At this time, the clinical significance of this variant is uncertain due to the absence of conclusive functional and genetic evidence.

Labcorp Genetics (formerly Invitae), Labcorp
Classification: Uncertain significance. Last evaluated: 2025-06-17. Review status: criteria provided, single submitter. Criteria: Invitae Variant Classification Sherloc (09022015). Collection method: clinical testing. Allele origin: germline.
Comment: This sequence change replaces alanine, which is neutral and non-polar, with threonine, which is neutral and polar, at codon 3489 of the USH2A protein (p.Ala3489Thr). This variant is not present in population databases (gnomAD no frequency). This missense change has been observed in individual(s) with USH2A-related conditions (PMID: 23591405). ClinVar contains an entry for this variant (Variation ID: 553768). Invitae Evidence Modeling of protein sequence and biophysical properties (such as structural, functional, and spatial information, amino acid conservation, physicochemical variation, residue mobility, and thermodynamic stability) indicates that this missense variant is not expected to disrupt USH2A protein function with a negative predictive value of 95%. In summary, the available evidence is currently insufficient to determine the role of this variant in disease. Therefore, it has been classified as a Variant of Uncertain Significance.

CeGaT Center for Human Genetics Tuebingen
Classification: Uncertain significance. Last evaluated: 2024-11-01. Review status: criteria provided, single submitter. Criteria: CeGaT Center For Human Genetics Tuebingen Variant Classification Criteria Version 2. Collection method: clinical testing. Allele origin: germline. Affected: yes. Observed: 2 variant alleles.
Comment: USH2A: PM2, BP4

Blueprint Genetics
Classification: Likely benign. Last evaluated: 2022-04-23. Review status: criteria provided, single submitter. Criteria: ACMG Guidelines, 2015. Collection method: clinical testing. Allele origin: germline.

Institute of Human Genetics, Univ. Regensburg, Univ. Regensburg
Classification: Uncertain significance for Retinal dystrophy. Last evaluated: 2022-01-01. Review status: criteria provided, single submitter. Criteria: ACMG Guidelines, 2015. Collection method: clinical testing. Allele origin: germline. Affected: yes.

GeneDx
Classification: Likely benign. Last evaluated: 2015-03-03. Review status: criteria provided, single submitter. Criteria: GeneDx Variant Classification Process June 2021. Collection method: clinical testing. Allele origin: germline. Affected: yes.
Comment: See Variant Classification Assertion Criteria.

Counsyl
Classification: Uncertain significance for Usher syndrome type 2A; Retinitis pigmentosa 39. Last evaluated: 2017-09-06. Review status: no assertion criteria provided. Collection method: clinical testing. Allele origin: unknown. Not counted in ClinVar's aggregate classification.

Literature cited by the submitters: PubMed 23591405 (cited by 3 submitters); PubMed 32707200 (cited by Institute of Human Genetics, Univ. Regensburg, Univ. Regensburg); PubMed 32531858 (cited by Institute of Human Genetics, Univ. Regensburg, Univ. Regensburg).